The following is an entry in ClinVar:

NM_006440.5(TXNRD2):c.774+6G>T

Gene: TXNRD2 (thioredoxin reductase 2; minus strand). Cytogenetic location: 22q11.21.
Variant type: single nucleotide variant.
Coding change: c.774+6G>T on transcript NM_006440.5 (MANE Select); 6 bases into the intron after coding-DNA position 774, G replaced by T.
Molecular consequence: intron variant.
Genome position (GRCh38, 1-based): chr22:19,898,033, C>A on the plus strand (G>T on the coding strand, the complement: TXNRD2 is on the minus strand). VCF-style: chr22-19898033-C-A. GRCh37 (hg19) VCF-style: chr22-19885556-C-A.
Other names: c.771+6G>T (NM_001352300.2); c.486+6G>T (NM_001352302.2); c.684+6G>T (NM_001352301.2); c.774+6G>T (NM_001282512.3); c.678+6G>T (NM_001352303.2).
Identifiers: ClinVar variation 2719174 (VCV002719174.3), dbSNP rs1233207996, ClinGen allele CA2655326640.
Genomic context (GRCh38, chr22:19,898,033, plus strand): 5'-TGGGAGGGGGCTGTGGGAGGAAGGCCTCAGAGCCACAGGGGCGGGAGCTGGGGCCTCCAG[C>A]ACTACCTGGTCGAAGCCGCGGAGGGGGATGCTGCGCATCATGATGGTGGTGTCCAGCCCA-3'

ClinVar aggregate classification (germline): Uncertain significance (1 of 4 stars; one submission).

Conditions:
Primary dilated cardiomyopathy (DCM). Also called: Dilated Cardiomyopathy. Identifiers: Orphanet 217604, MedGen C0007193, MeSH D002311, MONDO:0005021, HP:0001644. Inheritance: Various modes of inheritance.

gnomAD v4.1: 1 of 1,552,124 alleles (0.000064%); no homozygotes.

Submission:

Labcorp Genetics (formerly Invitae), Labcorp
Classification: Uncertain significance for Primary dilated cardiomyopathy. Last evaluated: 2026-01-06. Review status: criteria provided, single submitter. Criteria: Invitae Variant Classification Sherloc (09022015). Collection method: clinical testing. Allele origin: germline.
Comment: This sequence change falls in intron 10 of the TXNRD2 gene. It does not directly change the encoded amino acid sequence of the TXNRD2 protein. It affects a nucleotide within the consensus splice site. This variant is not present in population databases (gnomAD no frequency). This variant has not been reported in the literature in individuals affected with TXNRD2-related conditions. ClinVar contains an entry for this variant (Variation ID: 2719174). Variants that disrupt the consensus splice site are a relatively common cause of aberrant splicing (PMID: 17576681, 9536098). Algorithms developed to predict the effect of sequence changes on RNA splicing suggest that this variant is not likely to affect RNA splicing. In summary, the available evidence is currently insufficient to determine the role of this variant in disease. Therefore, it has been classified as a Variant of Uncertain Significance.

Literature cited by the submitters: PubMed 17576681; PubMed 9536098.